The following is an entry in ClinVar:

ClinVar aggregate classification (germline): Likely pathogenic (1 of 4 stars; one submission).

Conditions:
Spermatogenic failure 34. Identifiers: MedGen C4748403, MONDO:0029148, OMIM 618153.

gnomAD v4.1: 8 of 1,464,886 alleles (0.00055%); highest among the groups gnomAD compares: South Asian, 0.0042%; no homozygotes.

Submission:

Juno Genomics, Hangzhou Juno Genomics, Inc
Classification: Likely pathogenic for Spermatogenic failure 34. Review status: criteria provided, single submitter. Criteria: ACMG Guidelines, 2015. Collection method: clinical testing. Allele origin: germline.
Comment: Null variant in a gene where loss of function (LOF) is a known mechanism of disease.;Absent from controls (or at extremely low frequency if recessive) in Genome Aggregation Database.

NM_173651.4(FSIP2):c.232C>T (p.Arg78Ter)

Gene: FSIP2 (fibrous sheath interacting protein 2; plus strand). Cytogenetic location: 2q32.1.
Variant type: single nucleotide variant.
Coding change: c.232C>T on transcript NM_173651.4 (MANE Select); coding-DNA position 232, C replaced by T.
Protein change: p.Arg78Ter; replaces arginine 78 with a stop codon.
Molecular consequence: nonsense.
Genome position (GRCh38, 1-based): chr2:185,743,139, C>T. VCF-style: chr2-185743139-C-T. GRCh37 (hg19) VCF-style: chr2-186607866-C-T.
Other names: short protein forms R78*.
Identifiers: ClinVar variation 5006167 (VCV005006167.2).